The following is an entry in ClinVar:

ClinVar aggregate classification (germline): Uncertain significance. Review status: criteria provided, multiple submitters, no conflicts (2 of 4 stars). 3 submissions from 3 submitters: Uncertain significance (3). Last evaluated 2024-03-08.

Conditions:
Mitochondrial complex IV deficiency, nuclear type 11. Also called: Mitochondrial complex 4 deficiency, nuclear type 11. Identifiers: MedGen C5436694, MONDO:0033645, OMIM 619054.
Inborn genetic diseases. Identifiers: MedGen C0950123, MeSH D030342.

Allele frequency attached by ClinVar (database versions not stated): 1000 Genomes Project 30x 0.00031.
gnomAD v4.1: 43 of 1,267,240 alleles (0.0034%); highest among the groups gnomAD compares: African/African-American, 0.045%; no homozygotes.

Submissions (3):

Fulgent Genetics
Classification: Uncertain significance for Mitochondrial complex IV deficiency, nuclear type 11. Last evaluated: 2024-03-08. Review status: criteria provided, single submitter. Criteria: ACMG Guidelines, 2015. Collection method: clinical testing. Allele origin: germline.

Ambry Genetics
Classification: Uncertain significance for Inborn genetic diseases. Last evaluated: 2023-12-19. Review status: criteria provided, single submitter. Criteria: Ambry Variant Classification Scheme 2023. Collection method: clinical testing. Allele origin: germline.

Labcorp Genetics (formerly Invitae), Labcorp
Classification: Uncertain significance. Last evaluated: 2022-09-13. Review status: criteria provided, single submitter. Criteria: Invitae Variant Classification Sherloc (09022015). Collection method: clinical testing. Allele origin: germline.
Comment: This sequence change replaces alanine, which is neutral and non-polar, with threonine, which is neutral and polar, at codon 3 of the COX20 protein (p.Ala3Thr). This variant is present in population databases (no rsID available, gnomAD 0.07%). This variant has not been reported in the literature in individuals affected with COX20-related conditions. Algorithms developed to predict the effect of missense changes on protein structure and function output the following: SIFT: "Tolerated"; PolyPhen-2: "Benign"; Align-GVGD: "Class C0". The threonine amino acid residue is found in multiple mammalian species, which suggests that this missense change does not adversely affect protein function. In summary, the available evidence is currently insufficient to determine the role of this variant in disease. Therefore, it has been classified as a Variant of Uncertain Significance.

NM_198076.6(COX20):c.7G>A (p.Ala3Thr)

Gene: COX20 (cytochrome c oxidase assembly factor COX20; plus strand). Cytogenetic location: 1q44.
Variant type: single nucleotide variant.
Coding change: c.7G>A on transcript NM_198076.6 (MANE Select); coding-DNA position 7, G replaced by A.
Protein change: p.Ala3Thr; replaces alanine 3 with threonine.
Molecular consequence: missense variant. On other transcripts: non-coding transcript variant (3).
Genome position (GRCh38, 1-based): chr1:244,835,721, G>A. VCF-style: chr1-244835721-G-A. GRCh37 (hg19) VCF-style: chr1-244999023-G-A.
Other names: c.7G>A (NM_198076.4); c.7G>A, p.Ala3Thr (NM_001312871.1, NM_001312872.1, NM_001312873.1 and 1 more transcripts); short protein forms A3T.
Identifiers: ClinVar variation 1921674 (VCV001921674.4), dbSNP rs201152357, ClinGen allele CA41129592.